The following is an entry in ClinVar:

ClinVar aggregate classification (germline): Benign. Review status: criteria provided, multiple submitters, no conflicts (2 of 4 stars). 11 submissions from 11 submitters: Benign (8). 3 of the submissions do not count toward it. Last evaluated 2026-02-04.

Conditions:
Sulfite oxidase deficiency. Also called: Isolated sulfite oxidase deficiency. Identifiers: Orphanet 833, Orphanet 99731, MedGen C0268624, MONDO:0010089, OMIM 272300, HP:0003643.

Allele frequency attached by ClinVar (database versions not stated): ESP Exome Variant Server 0.73581; 1000 Genomes Project 30x 0.74079; TOPMed 0.74491; 1000 Genomes Project 0.75220.

Submissions (11):

Labcorp Genetics (formerly Invitae), Labcorp
Classification: Benign for Sulfite oxidase deficiency. Last evaluated: 2026-02-04. Review status: criteria provided, single submitter. Criteria: Invitae Variant Classification Sherloc (09022015). Collection method: clinical testing. Allele origin: germline.

Unidad de Genómica Garrahan, Hospital de Pediatría Garrahan
Classification: Benign. Last evaluated: 2024-07-15. Review status: criteria provided, single submitter. Criteria: ACMG Guidelines, 2015. Collection method: clinical testing. Allele origin: germline. Affected: no. Observed: 91 variant alleles.
Comment: This variant is classified as Benign based on local population frequency. This variant was detected in 98% of patients studied in a panel designed for Epileptic and Developmental Encephalopathy and Progressive Myoclonus Epilepsy. Number of patients: 91. Only high quality variants are reported.

Women's Health and Genetics/Laboratory Corporation of America, LabCorp
Classification: Benign. Last evaluated: 2021-12-03. Review status: criteria provided, single submitter. Criteria: LabCorp Variant Classification Summary - May 2015. Collection method: clinical testing. Allele origin: germline.

Mayo Clinic Laboratories, Mayo Clinic
Classification: Benign. Last evaluated: 2021-11-29. Review status: criteria provided, single submitter. Criteria: ACMG Guidelines, 2015. Collection method: clinical testing. Allele origin: germline. Observed: 240 variant alleles.

Genome-Nilou Lab
Classification: Benign for Sulfite oxidase deficiency. Last evaluated: 2021-07-15. Review status: criteria provided, single submitter. Criteria: ACMG Guidelines, 2015. Collection method: clinical testing. Allele origin: germline. Affected: no.

Illumina Laboratory Services, Illumina
Classification: Benign for Sulfite oxidase deficiency. Last evaluated: 2018-01-13. Review status: criteria provided, single submitter. Criteria: ICSL Variant Classification Criteria 13 December 2019. Collection method: clinical testing. Allele origin: germline.
Comment: This variant was observed in the ICSL laboratory as part of a predisposition screen in an ostensibly healthy population. It had not been previously curated by ICSL or reported in the Human Gene Mutation Database (HGMD: prior to June 1st, 2018), and was therefore a candidate for classification through an automated scoring system. Utilizing variant allele frequency, disease prevalence and penetrance estimates, and inheritance mode, an automated score was calculated to assess if this variant is too frequent to cause the disease. Based on the score and internal cut-off values, a variant classified as benign is not then subjected to further curation. The score for this variant resulted in a classification of benign for this disease.

Breakthrough Genomics
Classification: Benign. Review status: criteria provided, single submitter. Criteria: ACMG Guidelines, 2015. Collection method: not provided. Allele origin: germline. Inheritance: Autosomal recessive inheritance. Affected: yes.

PreventionGenetics, part of Exact Sciences
Classification: Benign. Review status: criteria provided, single submitter. Criteria: ACMG Guidelines, 2015. Collection method: clinical testing. Allele origin: germline.

Genome Diagnostics Laboratory, Amsterdam University Medical Center
Classification: Benign for Sulfite oxidase deficiency. Last evaluated: 2017-01-23. Review status: no assertion criteria provided. Criteria: ACGS Guidelines, 2013. Collection method: clinical testing. Allele origin: germline. Affected: yes. Study: VKGL Data-share Consensus. Not counted in ClinVar's aggregate classification.

Diagnostic Laboratory, Department of Genetics, University Medical Center Groningen
Classification: Benign for Sulfite oxidase deficiency. Review status: no assertion criteria provided. Collection method: clinical testing. Allele origin: germline. Affected: yes. Study: VKGL Data-share Consensus. Not counted in ClinVar's aggregate classification.

Genetic Services Laboratory, University of Chicago
Classification: Likely benign for AllHighlyPenetrant. Review status: no assertion criteria provided. Collection method: clinical testing. Allele origin: germline. Inheritance: Autosomal recessive inheritance. Not counted in ClinVar's aggregate classification.
Comment: Likely benign based on allele frequency in 1000 Genomes Project or ESP global frequency and its presence in a patient with a rare or unrelated disease phenotype. NOT Sanger confirmed.

NM_001032386.2(SUOX):c.1281G>C (p.Ser427=)

Gene: SUOX (sulfite oxidase; plus strand). Cytogenetic location: 12q13.2.
Variant type: single nucleotide variant.
Coding change: c.1281G>C on transcript NM_001032386.2 (MANE Select); coding-DNA position 1281, G replaced by C.
Protein change: p.Ser427=; no amino-acid change (serine 427 retained).
Molecular consequence: synonymous variant.
Genome position (GRCh38, 1-based): chr12:56,004,670, G>C. VCF-style: chr12-56004670-G-C. GRCh37 (hg19) VCF-style: chr12-56398454-G-C.
Other names: p.Ser427=; c.1281G>C, p.Ser427= (NM_000456.3, NM_001032387.2).
Identifiers: ClinVar variation 130383 (VCV000130383.27), dbSNP rs773115, ClinGen allele CA155308.